The following is an entry in ClinVar:

ClinVar aggregate classification (germline): Benign/Likely benign. Review status: criteria provided, multiple submitters, no conflicts (2 of 4 stars). 8 submissions from 8 submitters: Benign (1); Likely benign (3). 4 of the submissions do not count toward it. Last evaluated 2026-01-21.

Conditions:
Niemann-Pick disease, type C1. Also called: NEUROVISCERAL STORAGE DISEASE WITH VERTICAL SUPRANUCLEAR OPHTHALMOPLEGIA; NIEMANN-PICK DISEASE WITH CHOLESTEROL ESTERIFICATION BLOCK; NIEMANN-PICK DISEASE WITHOUT SPHINGOMYELINASE DEFICIENCY; NIEMANN-PICK DISEASE, CHRONIC NEURONOPATHIC FORM; NIEMANN-PICK DISEASE, VARIANT TYPE C1. Identifiers: Orphanet 646, MedGen C3179455, MONDO:0009757, OMIM 257220.
NPC1-related disorder. Also called: NPC1-related condition.

Allele frequency attached by ClinVar (database versions not stated): gnomAD 0.02464.
gnomAD v4.1: 3,407 of 1,038,482 alleles (0.33%); highest among the groups gnomAD compares: African/African-American, 1.1%; 22 homozygotes.

Submissions (8):

Labcorp Genetics (formerly Invitae), Labcorp
Classification: Likely benign for Niemann-Pick disease, type C1. Last evaluated: 2026-01-21. Review status: criteria provided, single submitter. Criteria: Invitae Variant Classification Sherloc (09022015). Collection method: clinical testing. Allele origin: germline.

Blueprint Genetics
Classification: Likely benign. Last evaluated: 2024-11-26. Review status: criteria provided, single submitter. Criteria: ACMG Guidelines, 2015. Collection method: clinical testing. Allele origin: germline.

Centre for Mendelian Genomics, University Medical Centre Ljubljana
Classification: Benign for Niemann-Pick disease, type C1. Last evaluated: 2018-09-25. Review status: criteria provided, single submitter. Criteria: ACMG Guidelines, 2015. Collection method: clinical testing. Allele origin: unknown. Affected: yes.
Comment: This variant was classified as: Benign. The following ACMG criteria were applied in classifying this variant: BS1,BS2.

Breakthrough Genomics
Classification: Likely benign. Review status: criteria provided, single submitter. Criteria: ACMG Guidelines, 2015. Collection method: not provided. Allele origin: germline. Inheritance: Autosomal recessive inheritance. Affected: yes.

PreventionGenetics, part of Exact Sciences
Classification: Likely benign for NPC1-related condition. Last evaluated: 2021-03-30. Review status: no assertion criteria provided. Collection method: clinical testing. Allele origin: germline. Not counted in ClinVar's aggregate classification.
Comment: This variant is classified as likely benign based on ACMG/AMP sequence variant interpretation guidelines (Richards et al. 2015 PMID: 25741868, with internal and published modifications).

Clinical Genetics, Academic Medical Center
Classification: Likely benign. Review status: no assertion criteria provided. Collection method: clinical testing. Allele origin: germline. Affected: yes. Study: VKGL Data-share Consensus. Not counted in ClinVar's aggregate classification.

Genome Diagnostics Laboratory, Amsterdam University Medical Center
Classification: Likely benign. Review status: no assertion criteria provided. Collection method: clinical testing. Allele origin: germline. Affected: yes. Study: VKGL Data-share Consensus. Not counted in ClinVar's aggregate classification.

Joint Genome Diagnostic Labs from Nijmegen and Maastricht, Radboudumc and MUMC+
Classification: Likely benign. Review status: no assertion criteria provided. Collection method: clinical testing. Allele origin: germline. Affected: yes. Study: VKGL Data-share Consensus. Not counted in ClinVar's aggregate classification.

NM_000271.5(NPC1):c.1947+17T>G

Gene: NPC1 (NPC intracellular cholesterol transporter 1; minus strand). Cytogenetic location: 18q11.2.
Variant type: single nucleotide variant.
Coding change: c.1947+17T>G on transcript NM_000271.5 (MANE Select); 17 bases into the intron after coding-DNA position 1947, T replaced by G.
Molecular consequence: intron variant.
Genome position (GRCh38, 1-based): chr18:23,544,943, A>C on the plus strand (T>G on the coding strand, the complement: NPC1 is on the minus strand). VCF-style: chr18-23544943-A-C. GRCh37 (hg19) VCF-style: chr18-21124907-A-C.
Identifiers: ClinVar variation 931815 (VCV000931815.19), dbSNP rs879174633, ClinGen allele CA297060244.
Genomic context (GRCh38, chr18:23,544,943, plus strand): 5'-TAAAGAGGCAAAAATATGACGTTACACTGTGCACTGCTGTTAACCTCTAGAACATACACC[A>C]CCCCCCCCCGGCTTACCAGAAGCCTGCGACAGCTTTTCATGTGCCCCAAGGCTAGGGAAA-3'